The following is an entry in ClinVar:

NC_000015.10:g.(?_32696494)_(32731245_?)dup

Genes: GREM1 (gremlin 1, DAN family BMP antagonist; plus strand), SCG5 (secretogranin V; plus strand). Cytogenetic location: 15q13.3.
Variant type: Duplication.
Identifiers: ClinVar variation 831612 (VCV000831612.2).

ClinVar aggregate classification (germline): Uncertain significance (1 of 4 stars; one submission).

Conditions:
Familial colorectal cancer. Identifiers: MedGen CN280943, MONDO:0023113. Disease mechanism: loss of function.

Submission:

Labcorp Genetics (formerly Invitae), Labcorp
Classification: Uncertain significance for Familial colorectal cancer. Last evaluated: 2021-08-07. Review status: criteria provided, single submitter. Criteria: Invitae Variant Classification Sherloc (09022015). Collection method: clinical testing. Allele origin: germline.
Comment: A copy number gain of the genomic region encompassing the full coding sequence of the GREM1 gene has been identified. The boundaries of this event are unknown as they extend beyond the assayed region for this gene and therefore may encompass additional genes. As the precise location of this event is unknown, it may be in tandem or it may be located elsewhere in the genome. This variant has not been reported in the literature in individuals affected with GREM1-related conditions. In summary, the available evidence is currently insufficient to determine the role of this variant in disease. Therefore, it has been classified as a Variant of Uncertain Significance.